The following is an entry in ClinVar:

NM_003079.5(SMARCE1):c.1067A>C (p.Asn356Thr)

Gene: SMARCE1 (SWI/SNF related BAF chromatin remodeling complex subunit E1; minus strand). Cytogenetic location: 17q21.2.
Variant type: single nucleotide variant.
Coding change: c.1067A>C on transcript NM_003079.5 (MANE Select); coding-DNA position 1067, A replaced by C.
Protein change: p.Asn356Thr; replaces asparagine 356 with threonine.
Molecular consequence: missense variant.
Genome position (GRCh38, 1-based): chr17:40,628,954, T>G on the plus strand (A>C on the coding strand, the complement: SMARCE1 is on the minus strand). VCF-style: chr17-40628954-T-G. GRCh37 (hg19) VCF-style: chr17-38785206-T-G.
Other names: short protein forms N356T.
Identifiers: ClinVar variation 3320867 (VCV003320867.1).

ClinVar aggregate classification (germline): Uncertain significance (1 of 4 stars; one submission).

Conditions:
Hereditary cancer-predisposing syndrome. Also called: Neoplastic Syndromes, Hereditary; Tumor predisposition; Hereditary neoplastic syndrome; Hereditary Cancer Syndrome. Identifiers: Orphanet 140162, MedGen C0027672, MeSH D009386, MONDO:0015356.

Submission:

Ambry Genetics
Classification: Uncertain significance for Hereditary cancer-predisposing syndrome. Last evaluated: 2024-06-21. Review status: criteria provided, single submitter. Criteria: Ambry Variant Classification Scheme 2023. Collection method: clinical testing. Allele origin: germline.
Comment: The p.N356T variant (also known as c.1067A>C), located in coding exon 10 of the SMARCE1 gene, results from an A to C substitution at nucleotide position 1067. The asparagine at codon 356 is replaced by threonine, an amino acid with similar properties. This amino acid position is conserved. In addition, this alteration is predicted to be tolerated by in silico analysis. Based on the available evidence, the clinical significance of this variant remains unclear.